The following is an entry in ClinVar:

ClinVar aggregate classification (germline): Uncertain significance (1 of 4 stars; one submission).

Conditions:
Neuronal ceroid lipofuscinosis. Also called: Neuronal Ceroid Lipofuscinoses. Identifiers: Orphanet 216, Orphanet 79263, MedGen C0027877, MONDO:0016295. Disease mechanism: loss of function.

gnomAD v4.1: 1 of 1,466,152 alleles (0.000068%); highest among the groups gnomAD compares: Non-Finnish European, 0.00009%; no homozygotes.

Submission:

Labcorp Genetics (formerly Invitae), Labcorp
Classification: Uncertain significance for Neuronal ceroid lipofuscinosis. Last evaluated: 2024-05-05. Review status: criteria provided, single submitter. Criteria: Invitae Variant Classification Sherloc (09022015). Collection method: clinical testing. Allele origin: germline.
Comment: This sequence change replaces glutamine, which is neutral and polar, with arginine, which is basic and polar, at codon 26 of the CLN6 protein (p.Gln26Arg). The frequency data for this variant in the population databases is considered unreliable, as metrics indicate poor data quality at this position in the gnomAD database. This variant has not been reported in the literature in individuals affected with CLN6-related conditions. Advanced modeling of protein sequence and biophysical properties (such as structural, functional, and spatial information, amino acid conservation, physicochemical variation, residue mobility, and thermodynamic stability) performed at Invitae indicates that this missense variant is not expected to disrupt CLN6 protein function with a negative predictive value of 80%. In summary, the available evidence is currently insufficient to determine the role of this variant in disease. Therefore, it has been classified as a Variant of Uncertain Significance.

NM_017882.3(CLN6):c.77A>G (p.Gln26Arg)

Gene: CLN6 (CLN6 transmembrane ER protein; minus strand). Cytogenetic location: 15q23.
Variant type: single nucleotide variant.
Coding change: c.77A>G on transcript NM_017882.3 (MANE Select); coding-DNA position 77, A replaced by G.
Protein change: p.Gln26Arg; replaces glutamine 26 with arginine.
Molecular consequence: missense variant. On other transcripts: intron variant (1).
Genome position (GRCh38, 1-based): chr15:68,229,508, T>C on the plus strand (A>G on the coding strand, the complement: CLN6 is on the minus strand). VCF-style: chr15-68229508-T-C. GRCh37 (hg19) VCF-style: chr15-68521846-T-C.
Other names: c.180-10858A>G (NM_001411068.1); short protein forms Q26R.
Identifiers: ClinVar variation 3701605 (VCV003701605.2).
Genomic context (GRCh38, chr15:68,229,508, plus strand): 5'-GAGGCCCCAGCGCACAGGCGCCTAGCCCGCCCTCTCACCCCGGCGCGCGCCCACCTGGCC[T>C]GCAGGAAGGAGGCGCCCAGCTGCGCGCCTGGGCCGCCCGTCGCTCCCAGGTGCTGCCGCC-3'
Protein context (NP_060352.1, residues 16-36): PGAQLGASFL[Gln26Arg]ARHGSVSADE